The following is an entry in ClinVar:

NM_000059.4(BRCA2):c.4464C>G (p.His1488Gln)

Gene: BRCA2 (BRCA2 DNA repair associated; plus strand). Cytogenetic location: 13q13.1.
Variant type: single nucleotide variant.
Coding change: c.4464C>G on transcript NM_000059.4 (MANE Select); coding-DNA position 4464, C replaced by G.
Protein change: p.His1488Gln; replaces histidine 1488 with glutamine.
Molecular consequence: missense variant.
Genome position (GRCh38, 1-based): chr13:32,338,819, C>G. VCF-style: chr13-32338819-C-G. GRCh37 (hg19) VCF-style: chr13-32912956-C-G.
Other names: short protein forms H1488Q.
Identifiers: ClinVar variation 231821 (VCV000231821.14), dbSNP rs786203743, ClinGen allele CA10579619.

ClinVar aggregate classification (germline): Conflicting classifications of pathogenicity. Review status: criteria provided, conflicting classifications (1 of 4 stars). 3 submissions from 3 submitters: Uncertain significance (2); Likely benign (1). Last evaluated 2025-11-18.

Conditions:
Hereditary cancer-predisposing syndrome. Also called: Neoplastic Syndromes, Hereditary; Tumor predisposition; Hereditary Cancer Syndrome; Hereditary neoplastic syndrome. Identifiers: Orphanet 140162, MedGen C0027672, MeSH D009386, MONDO:0015356.
Hereditary breast ovarian cancer syndrome. Also called: BRCA1- and BRCA2-Associated Hereditary Breast and Ovarian Cancer; Hereditary breast and ovarian cancer syndrome; Hereditary breast and ovarian cancer; Hereditary breast and ovarian cancer syndrome (HBOC); Breast and ovarian cancer; Hereditary breast and/or ovarian cancer syndrome. Identifiers: Orphanet 145, MedGen C0677776, MeSH D061325, MONDO:0003582. Disease mechanism: loss of function.

Submissions (3):

Labcorp Genetics (formerly Invitae), Labcorp
Classification: Uncertain significance for Hereditary breast ovarian cancer syndrome. Last evaluated: 2025-11-18. Review status: criteria provided, single submitter. Criteria: Invitae Variant Classification Sherloc (09022015). Collection method: clinical testing. Allele origin: germline.
Comment: This sequence change replaces histidine, which is basic and polar, with glutamine, which is neutral and polar, at codon 1488 of the BRCA2 protein (p.His1488Gln). This variant is not present in population databases (gnomAD no frequency). This variant has not been reported in the literature in individuals affected with BRCA2-related conditions. ClinVar contains an entry for this variant (Variation ID: 231821). Invitae Evidence Modeling of protein sequence and biophysical properties (such as structural, functional, and spatial information, amino acid conservation, physicochemical variation, residue mobility, and thermodynamic stability) indicates that this missense variant is not expected to disrupt BRCA2 protein function with a negative predictive value of 95%. In summary, the available evidence is currently insufficient to determine the role of this variant in disease. Therefore, it has been classified as a Variant of Uncertain Significance.

University of Washington Department of Laboratory Medicine, University of Washington
Classification: Likely benign for Hereditary cancer-predisposing syndrome. Last evaluated: 2023-03-23. Review status: criteria provided, single submitter. Criteria: Dines et al. (Genet Med. 2020). Collection method: curation. Allele origin: germline.
Comment: Missense variant in a coldspot region where missense variants are very unlikely to be pathogenic (PMID:31911673).

BRCA2 exon 11 coldspot. Reclassification based on statistical prior probability.

Ambry Genetics
Classification: Uncertain significance for Hereditary cancer-predisposing syndrome. Last evaluated: 2017-03-16. Review status: criteria provided, single submitter. Criteria: Ambry Variant Classification Scheme 2023. Collection method: clinical testing. Allele origin: germline.
Comment: The p.H1488Q variant (also known as c.4464C>G), located in coding exon 10 of the BRCA2 gene, results from a C to G substitution at nucleotide position 4464. The histidine at codon 1488 is replaced by glutamine, an amino acid with highly similar properties. This amino acid position is poorly conserved in available vertebrate species. In addition, this alteration is predicted to be tolerated by in silico analysis. Since supporting evidence is limited at this time, the clinical significance of this alteration remains unclear.